The following is an entry in ClinVar:

NM_207122.2(EXT2):c.2074G>T (p.Val692Leu)

Gene: EXT2 (exostosin glycosyltransferase 2; plus strand). Cytogenetic location: 11p11.2.
Variant type: single nucleotide variant.
Coding change: c.2074G>T on transcript NM_207122.2 (MANE Select); coding-DNA position 2074, G replaced by T.
Protein change: p.Val692Leu; replaces valine 692 with leucine.
Molecular consequence: missense variant.
Genome position (GRCh38, 1-based): chr11:44,244,204, G>T. VCF-style: chr11-44244204-G-T. GRCh37 (hg19) VCF-style: chr11-44265754-G-T.
Other names: c.2173G>T, p.Val725Leu (NM_000401.3); c.2104G>T, p.Val702Leu (NM_001178083.3); c.2074G>T, p.Val692Leu (NM_001389628.1, NM_001389630.1); short protein forms V692L, V702L, V725L.
Identifiers: ClinVar variation 4072716 (VCV004072716.1).

ClinVar aggregate classification (germline): Uncertain significance (1 of 4 stars; one submission).

gnomAD v4.1: 1 of 1,614,014 alleles (0.000062%); highest among the groups gnomAD compares: Non-Finnish European, 0.000085%; no homozygotes.

Submission:

GeneDx
Classification: Uncertain significance. Last evaluated: 2025-01-30. Review status: criteria provided, single submitter. Criteria: GeneDx Variant Classification Process June 2021. Collection method: clinical testing. Allele origin: germline. Affected: yes.
Comment: Not observed at significant frequency in large population cohorts (gnomAD); In silico analysis indicates that this missense variant does not alter protein structure/function; Has not been previously published as pathogenic or benign to our knowledge